The following is an entry in ClinVar:

ClinVar aggregate classification (germline): Uncertain significance (1 of 4 stars; one submission).

Conditions:
Loeys-Dietz syndrome (LDS). Identifiers: Orphanet 60030, MedGen C2697932, MONDO:0018954.

Allele frequency attached by ClinVar (database versions not stated): TOPMed 0.00001.
gnomAD v4.1: 2 of 1,614,144 alleles (0.00012%); highest among the groups gnomAD compares: African/African-American, 0.0013%; no homozygotes.

Submission:

All of Us Research Program, National Institutes of Health
Classification: Uncertain significance for Loeys-Dietz syndrome. Last evaluated: 2023-08-23. Review status: criteria provided, single submitter. Criteria: ACMG Guidelines, 2015. Collection method: clinical testing. Allele origin: germline. Inheritance: Autosomal dominant inheritance. Observed: 1 variant allele, 1 heterozygote.
Comment: This missense variant replaces proline with serine at codon 133 of the TGFBR1 protein. Computational prediction suggests that this variant may have deleterious impact on protein structure and function (internally defined REVEL score threshold >= 0.7, PMID: 27666373). To our knowledge, functional studies have not been reported for this variant. This variant has not been reported in individuals affected with TGFBR1-related disorders in the literature. This variant has been identified in 1/251018 chromosomes in the general population by the Genome Aggregation Database (gnomAD). The available evidence is insufficient to determine the role of this variant in disease conclusively. Therefore, this variant is classified as a Variant of Uncertain Significance.

This study involves interpretation of variants in research participants for the purpose of population health screening. Participant phenotype was not available at the time of variant classification. Additional details can be found in publication PMID: 35346344, PMCID: PMC8962531

NM_004612.4(TGFBR1):c.397C>T (p.Pro133Ser)

Gene: TGFBR1 (transforming growth factor beta receptor 1; plus strand). Cytogenetic location: 9q22.33.
Variant type: single nucleotide variant.
Coding change: c.397C>T on transcript NM_004612.4 (MANE Select); coding-DNA position 397, C replaced by T.
Protein change: p.Pro133Ser; replaces proline 133 with serine.
Molecular consequence: missense variant. On other transcripts: non-coding transcript variant (4), intron variant (3).
Genome position (GRCh38, 1-based): chr9:99,132,562, C>T. VCF-style: chr9-99132562-C-T. GRCh37 (hg19) VCF-style: chr9-101894844-C-T.
Other names: c.409C>T, p.Pro137Ser (NM_001306210.2, NM_001407416.1); c.397C>T, p.Pro133Ser (NM_001407417.1, NM_001407435.1); c.202C>T, p.Pro68Ser (NM_001407418.1, NM_001407419.1, NM_001407420.1 and 1 more transcripts); c.190C>T, p.Pro64Ser (NM_001407423.1, NM_001407424.1, NM_001407425.1 and 8 more transcripts); c.151C>T, p.Pro51Ser (NM_001407436.1); c.343+3462C>T (NM_001130916.3); c.98-5297C>T (NM_001407438.1); c.98-9974C>T (NM_001407437.1); short protein forms P133S, P137S, P51S, P64S, P68S.
Identifiers: ClinVar variation 3073082 (VCV003073082.1), dbSNP rs1292981675, ClinGen allele CA063510.